The following is an entry in ClinVar:

ClinVar aggregate classification (germline): Uncertain significance. Review status: criteria provided, multiple submitters, no conflicts (2 of 4 stars). 3 submissions from 3 submitters: Uncertain significance (3). Last evaluated 2021-09-17.

Conditions:
Medulloblastoma (MDB). Also called: MEDULLOBLASTOMA PREDISPOSITION SYNDROME; Medulloblastoma, somatic. Identifiers: Orphanet 616, MedGen C0025149, MeSH D008527, MONDO:0007959, OMIM 155255, HP:0002885.
Familial dysautonomia. Also called: FD; HSAN III. Identifiers: Orphanet 1764, MedGen C0013364, MONDO:0009131, OMIM 223900. Disease mechanism: loss of function.

Allele frequency attached by ClinVar (database versions not stated): gnomAD exomes below 0.00001.
gnomAD v4.1: 7 of 1,614,158 alleles (0.00043%); highest among the groups gnomAD compares: Middle Eastern, 0.033%; no homozygotes.

Submissions (3):

Labcorp Genetics (formerly Invitae), Labcorp
Classification: Uncertain significance. Last evaluated: 2021-09-17. Review status: criteria provided, single submitter. Criteria: Invitae Variant Classification Sherloc (09022015). Collection method: clinical testing. Allele origin: germline.
Comment: This sequence change replaces histidine with arginine at codon 39 of the ELP1 protein (p.His39Arg). The histidine residue is weakly conserved and there is a small physicochemical difference between histidine and arginine. This variant is not present in population databases (ExAC no frequency). This variant has not been reported in the literature in individuals with ELP1-related conditions. Algorithms developed to predict the effect of missense changes on protein structure and function output the following: SIFT: "Tolerated"; PolyPhen-2: "Benign"; Align-GVGD: "Class C0". The arginine amino acid residue is found in multiple mammalian species, suggesting that this missense change does not adversely affect protein function. These predictions have not been confirmed by published functional studies and their clinical significance is uncertain. In summary, the available evidence is currently insufficient to determine the role of this variant in disease. Therefore, it has been classified as a Variant of Uncertain Significance.

Fulgent Genetics
Classification: Uncertain significance for Medulloblastoma; Familial dysautonomia. Last evaluated: 2021-08-27. Review status: criteria provided, single submitter. Criteria: ACMG Guidelines, 2015. Collection method: clinical testing. Allele origin: unknown.

Ambry Genetics
Classification: Uncertain significance. Last evaluated: 2021-01-20. Review status: criteria provided, single submitter. Criteria: Ambry Variant Classification Scheme 2023. Collection method: clinical testing. Allele origin: germline.
Comment: The p.H39R variant (also known as c.116A>G), located in coding exon 1 of the IKBKAP gene, results from an A to G substitution at nucleotide position 116. The histidine at codon 39 is replaced by arginine, an amino acid with highly similar properties. This amino acid position is not well conserved in available vertebrate species, and arginine is the reference amino acid in other vertebrate species. In addition, this alteration is predicted to be tolerated by in silico analysis. Since supporting evidence is limited at this time, the clinical significance of this alteration remains unclear.

NM_003640.5(ELP1):c.116A>G (p.His39Arg)

Gene: ELP1 (elongator acetyltransferase complex subunit 1; minus strand). Cytogenetic location: 9q31.3.
Variant type: single nucleotide variant.
Coding change: c.116A>G on transcript NM_003640.5 (MANE Select); coding-DNA position 116, A replaced by G.
Protein change: p.His39Arg; replaces histidine 39 with arginine.
Molecular consequence: missense variant. On other transcripts: 5 prime UTR variant (2).
Genome position (GRCh38, 1-based): chr9:108,931,031, T>C on the plus strand (A>G on the coding strand, the complement: ELP1 is on the minus strand). VCF-style: chr9-108931031-T-C. GRCh37 (hg19) VCF-style: chr9-111693311-T-C.
Other names: c.-227A>G (NM_001318360.2); c.-744A>G (NM_001330749.2); short protein forms H39R.
Identifiers: ClinVar variation 1492610 (VCV001492610.8), dbSNP rs2132052820, ClinGen allele CA374394822.